The following is an entry in ClinVar:

ClinVar aggregate classification (germline): Benign. Review status: criteria provided, multiple submitters, no conflicts (2 of 4 stars). 2 submissions from 2 submitters: Benign (2). Last evaluated 2024-01-24.

Submissions (2):

Unidad de Genómica Garrahan, Hospital de Pediatría Garrahan
Classification: Benign. Last evaluated: 2024-01-24. Review status: criteria provided, single submitter. Criteria: ACMG Guidelines, 2015. Collection method: clinical testing. Allele origin: germline. Affected: no. Observed: 41 variant alleles.
Comment: This variant is classified as Benign based on local population frequency. This variant was detected in 43% of patients studied by a panel of primary immunodeficiencies. Number of patients: 41. Only high quality variants are reported.

GeneDx
Classification: Benign. Last evaluated: 2019-08-19. Review status: criteria provided, single submitter. Criteria: GeneDx Variant Classification Process June 2021. Collection method: clinical testing. Allele origin: germline. Affected: yes.

NM_001099274.3(TINF2):c.399+61del

Gene: TINF2 (TERF1 interacting nuclear factor 2; minus strand). Cytogenetic location: 14q12.
Variant type: Deletion.
Coding change: c.399+61del on transcript NM_001099274.3 (MANE Select); 61 bases into the intron after coding-DNA position 399, one base deleted (T; older notation c.399+61delT).
Molecular consequence: intron variant.
Genome position (GRCh38, 1-based): chr14:24,241,614, A deleted on the plus strand (T on the coding strand, the reverse complement: TINF2 is on the minus strand); the first of 15 consecutive A bases (chr14:24,241,614-24,241,628); deleting any one gives the same sequence. VCF-style (leftmost placement, unchanged base first): chr14-24241613-CA-C. GRCh37 (hg19) VCF-style: chr14-24710819-CA-C.
Other names: c.399+61del (NM_012461.3); c.294+61del (NM_001363668.2).
Identifiers: ClinVar variation 1235672 (VCV001235672.5), dbSNP rs5807249, ClinGen allele CA257883232.
Genomic context (GRCh38, chr14:24,241,613, plus strand): 5'-GTTGCAGTGAGCCGAGATTGTGCCACTGCACTCCAGCCTGGGCGACAGAGCAAGATTCCT[CA>C]AAAAAAAAAAAAAATGGGTTAGAGAAAATAGCCACATAATAGCCTTCAAACCAGTCTCAC-3'